The following is an entry in ClinVar:

ClinVar aggregate classification (germline): Uncertain significance (1 of 4 stars; one submission).

Conditions:
Cardiovascular phenotype. Identifiers: MedGen CN230736.

Submission:

Ambry Genetics
Classification: Uncertain significance for Cardiovascular phenotype. Last evaluated: 2024-09-05. Review status: criteria provided, single submitter. Criteria: Ambry Variant Classification Scheme 2023. Collection method: clinical testing. Allele origin: germline.
Comment: The p.S2P variant (also known as c.4T>C), located in coding exon 1 of the LDB3 gene, results from a T to C substitution at nucleotide position 4. The serine at codon 2 is replaced by proline, an amino acid with similar properties. This amino acid position is conserved. In addition, this alteration is predicted to be tolerated by in silico analysis. Based on the available evidence, the clinical significance of this variant remains unclear.

NM_007078.3(LDB3):c.4T>C (p.Ser2Pro)

Gene: LDB3 (LIM domain binding 3; plus strand). Cytogenetic location: 10q23.2.
Variant type: single nucleotide variant.
Coding change: c.4T>C on transcript NM_007078.3 (MANE Select); coding-DNA position 4, T replaced by C.
Protein change: p.Ser2Pro; replaces serine 2 with proline.
Molecular consequence: missense variant.
Genome position (GRCh38, 1-based): chr10:86,668,695, T>C. VCF-style: chr10-86668695-T-C. GRCh37 (hg19) VCF-style: chr10-88428452-T-C.
Other names: c.4T>C, p.Ser2Pro (NM_001080114.2, NM_001080115.2, NM_001080116.1 and 8 more transcripts); short protein forms S2P.
Identifiers: ClinVar variation 3537672 (VCV003537672.1).